The following is an entry in ClinVar:

NM_022167.4(XYLT2):c.2023G>A (p.Val675Met)

Gene: XYLT2 (xylosyltransferase 2; plus strand). Cytogenetic location: 17q21.33.
Variant type: single nucleotide variant.
Coding change: c.2023G>A on transcript NM_022167.4 (MANE Select); coding-DNA position 2023, G replaced by A.
Protein change: p.Val675Met; replaces valine 675 with methionine.
Molecular consequence: missense variant.
Genome position (GRCh38, 1-based): chr17:50,358,288, G>A. VCF-style: chr17-50358288-G-A. GRCh37 (hg19) VCF-style: chr17-48435649-G-A.
Other names: short protein forms V675M.
Identifiers: ClinVar variation 783786 (VCV000783786.15), dbSNP rs147831067, ClinGen allele CA8646642.

ClinVar aggregate classification (germline): Benign/Likely benign. Review status: criteria provided, multiple submitters, no conflicts (2 of 4 stars). 4 submissions from 4 submitters: Benign (2); Likely benign (1). 1 of the submissions does not count toward it. Last evaluated 2026-01-26.

Conditions:
Osteogenesis imperfecta (OI). Identifiers: Orphanet 666, MedGen C0029434, MeSH D010013, MONDO:0019019.
XYLT2-related disorder. Also called: XYLT2-related condition.

Allele frequency attached by ClinVar (database versions not stated): 1000 Genomes Project 30x 0.00453; 1000 Genomes Project 0.00479; TOPMed 0.00503; ESP Exome Variant Server 0.00508.
gnomAD v4.1: 1,374 of 1,613,678 alleles (0.085%); highest among the groups gnomAD compares: African/African-American, 1.5%; 13 homozygotes.

Submissions (4):

Labcorp Genetics (formerly Invitae), Labcorp
Classification: Benign. Last evaluated: 2026-01-26. Review status: criteria provided, single submitter. Criteria: Invitae Variant Classification Sherloc (09022015). Collection method: clinical testing. Allele origin: germline.

Genome Diagnostics Laboratory, The Hospital for Sick Children
Classification: Likely benign for Osteogenesis imperfecta. Last evaluated: 2019-07-01. Review status: criteria provided, single submitter. Criteria: ACMG Guidelines, 2015. Collection method: clinical testing. Allele origin: germline.

Breakthrough Genomics
Classification: Benign. Review status: criteria provided, single submitter. Criteria: ACMG Guidelines, 2015. Collection method: not provided. Allele origin: germline. Inheritance: Autosomal recessive inheritance. Affected: yes.

PreventionGenetics, part of Exact Sciences
Classification: Benign for XYLT2-related condition. Last evaluated: 2019-09-17. Review status: no assertion criteria provided. Collection method: clinical testing. Allele origin: germline. Not counted in ClinVar's aggregate classification.
Comment: This variant is classified as benign based on ACMG/AMP sequence variant interpretation guidelines (Richards et al. 2015 PMID: 25741868, with internal and published modifications).